The following is an entry in ClinVar:

NM_024741.3(ZNF408):c.136G>C (p.Glu46Gln)

Gene: ZNF408 (zinc finger protein 408; plus strand). Cytogenetic location: 11p11.2.
Variant type: single nucleotide variant.
Coding change: c.136G>C on transcript NM_024741.3 (MANE Select); coding-DNA position 136, G replaced by C.
Protein change: p.Glu46Gln; replaces glutamic acid 46 with glutamine.
Molecular consequence: missense variant.
Genome position (GRCh38, 1-based): chr11:46,701,482, G>C. VCF-style: chr11-46701482-G-C. GRCh37 (hg19) VCF-style: chr11-46723032-G-C.
Other names: c.112G>C, p.Glu38Gln (NM_001184751.2); short protein forms E38Q, E46Q.
Identifiers: ClinVar variation 1937022 (VCV001937022.5), dbSNP rs755628232, ClinGen allele CA5966246.

ClinVar aggregate classification (germline): Uncertain significance (1 of 4 stars; one submission).

Allele frequency attached by ClinVar (database versions not stated): gnomAD exomes below 0.00001; ExAC 0.00001.

Submission:

Labcorp Genetics (formerly Invitae), Labcorp
Classification: Uncertain significance. Last evaluated: 2022-10-24. Review status: criteria provided, single submitter. Criteria: Invitae Variant Classification Sherloc (09022015). Collection method: clinical testing. Allele origin: germline.
Comment: This sequence change replaces glutamic acid, which is acidic and polar, with glutamine, which is neutral and polar, at codon 46 of the ZNF408 protein (p.Glu46Gln). This variant is present in population databases (rs755628232, gnomAD 0.0009%). This variant has not been reported in the literature in individuals affected with ZNF408-related conditions. Algorithms developed to predict the effect of missense changes on protein structure and function output the following: SIFT: "Tolerated"; PolyPhen-2: "Benign"; Align-GVGD: "Class C0". The glutamine amino acid residue is found in multiple mammalian species, which suggests that this missense change does not adversely affect protein function. In summary, the available evidence is currently insufficient to determine the role of this variant in disease. Therefore, it has been classified as a Variant of Uncertain Significance.